The following is an entry in ClinVar:

NM_024721.5(ZFHX4):c.3330del (p.Ala1111fs)

Gene: ZFHX4 (zinc finger homeobox 4; plus strand). Cytogenetic location: 8q21.13.
Variant type: Deletion.
Coding change: c.3330del on transcript NM_024721.5 (MANE Select); coding-DNA position 3330, one base deleted (T; older notation c.3330delT).
Protein change: p.Ala1111fs; shifts the reading frame from alanine 1111.
Molecular consequence: frameshift variant.
Genome position (GRCh38, 1-based): chr8:76,833,342, T deleted. VCF-style (leftmost placement, unchanged base first): chr8-76833341-CT-C. GRCh37 (hg19) VCF-style: chr8-77745577-CT-C.
Other names: c.3252del, p.Ala1085fs (NM_001410934.1); c.3330delT (NM_024721.5); short protein forms A1085fs, A1111fs.
Identifiers: ClinVar variation 3358905 (VCV003358905.2).
Genomic context (GRCh38, chr8:76,833,341, plus strand): 5'-TGATGAGAGAGCTGGATATGGCATGCTGATTACCTTTCACTCTGATGTCTTCTGCAGAAA[CT>C]GCCTCATTGGGAGCCAGGACTTGTGATGATGATCTTACAGAGCAGCAGTTGAGATCGACC-3'

ClinVar aggregate classification (germline): Uncertain significance (1 of 4 stars; one submission).

Conditions:
Congenital corneal opacity. Identifiers: MedGen C0344535.

Submission:

Genomics, Genetics and Epigenetics Laboratory, Medical College of Wisconsin
Classification: Uncertain significance for Congenital corneal opacity. Last evaluated: 2024-09-25. Review status: criteria provided, single submitter. Criteria: ACMG Guidelines, 2015. Collection method: research. Allele origin: unknown. Affected: yes.
Comment: The NM_024721.5:c.3330delT generates a frameshift and truncated transcript expected to be subject to nonsense mediated decay. The gene is highly intolerant to loss-of-function per gnomAD data but the gene has not been definitively linked to a phenotype in humans yet. The variant is absent in gnomAD v4.1.0

Literature cited by the submitters: PubMed 39450701.